The following is an entry in ClinVar:

NM_017999.5(RNF31):c.575T>C (p.Phe192Ser)

Gene: RNF31 (ring finger protein 31; plus strand). Cytogenetic location: 14q12.
Variant type: single nucleotide variant.
Coding change: c.575T>C on transcript NM_017999.5 (MANE Select); coding-DNA position 575, T replaced by C.
Protein change: p.Phe192Ser; replaces phenylalanine 192 with serine.
Molecular consequence: missense variant.
Genome position (GRCh38, 1-based): chr14:24,148,820, T>C. VCF-style: chr14-24148820-T-C. GRCh37 (hg19) VCF-style: chr14-24618029-T-C.
Other names: c.122T>C, p.Phe41Ser (NM_001310332.2); short protein forms F192S, F41S.
Identifiers: ClinVar variation 1442559 (VCV001442559.8), dbSNP rs747027126, ClinGen allele CA7125562.

ClinVar aggregate classification (germline): Uncertain significance (1 of 4 stars; one submission).

Allele frequency attached by ClinVar (database versions not stated): gnomAD 0.00001; TOPMed 0.00005; ExAC 0.00008; gnomAD exomes 0.00011.
gnomAD v4.1: 30 of 1,614,066 alleles (0.0019%); highest among the groups gnomAD compares: Admixed American, 0.048%; no homozygotes.

Submission:

Labcorp Genetics (formerly Invitae), Labcorp
Classification: Uncertain significance. Last evaluated: 2026-01-05. Review status: criteria provided, single submitter. Criteria: Invitae Variant Classification Sherloc (09022015). Collection method: clinical testing. Allele origin: germline.
Comment: This sequence change replaces phenylalanine, which is neutral and non-polar, with serine, which is neutral and polar, at codon 192 of the RNF31 protein (p.Phe192Ser). This variant is present in population databases (rs747027126, gnomAD 0.08%), and has an allele count higher than expected for a pathogenic variant. This variant has not been reported in the literature in individuals affected with RNF31-related conditions. ClinVar contains an entry for this variant (Variation ID: 1442559). An algorithm developed to predict the effect of missense changes on protein structure and function (PolyPhen-2) suggests that this variant is likely to be tolerated. In summary, the available evidence is currently insufficient to determine the role of this variant in disease. Therefore, it has been classified as a Variant of Uncertain Significance.